The following is an entry in ClinVar:

NM_001349253.2(SCN11A):c.5277A>G (p.Gln1759=)

Gene: SCN11A (sodium voltage-gated channel alpha subunit 11; minus strand). Cytogenetic location: 3p22.2.
Variant type: single nucleotide variant.
Coding change: c.5277A>G on transcript NM_001349253.2 (MANE Select); coding-DNA position 5277, A replaced by G.
Protein change: p.Gln1759=; no amino-acid change (glutamine 1759 retained).
Molecular consequence: synonymous variant.
Genome position (GRCh38, 1-based): chr3:38,846,793, T>C on the plus strand (A>G on the coding strand, the complement: SCN11A is on the minus strand). VCF-style: chr3-38846793-T-C. GRCh37 (hg19) VCF-style: chr3-38888284-T-C.
Other names: c.5277A>G, p.Gln1759= (NM_014139.3); c.5277A>G (NM_014139.2).
Identifiers: ClinVar variation 2093875 (VCV002093875.5), dbSNP rs1311973095, ClinGen allele CA433140527.

ClinVar aggregate classification (germline): Likely benign. Review status: criteria provided, multiple submitters, no conflicts (2 of 4 stars). 2 submissions from 2 submitters: Likely benign (2). Last evaluated 2026-02-13.

Conditions:
SCN11A-related disorder. Also called: SCN11A-related condition.
Hereditary sensory and autonomic neuropathy type 7. Also called: HSAN VII; Neuropathy, hereditary sensory and autonomic, type VII. Identifiers: Orphanet 391397, MedGen C3809882, MONDO:0014244, OMIM 615548.
Familial episodic pain syndrome with predominantly lower limb involvement. Also called: Episodic pain syndrome, familial, 3. Identifiers: Orphanet 391384, Orphanet 391392, MedGen C3809899, MONDO:0014247, OMIM 615552.

Allele frequency attached by ClinVar (database versions not stated): TOPMed below 0.00001; gnomAD 0.00001; gnomAD exomes 0.00003.
gnomAD v4.1: 51 of 1,614,046 alleles (0.0032%); highest among the groups gnomAD compares: Non-Finnish European, 0.0039%; no homozygotes.

Submissions (2):

PreventionGenetics, part of Exact Sciences
Classification: Likely benign for SCN11A-related condition. Last evaluated: 2026-02-13. Review status: criteria provided, single submitter. Criteria: ACMG Guidelines, 2015. Collection method: clinical testing. Allele origin: germline.
Comment: This variant is classified as likely benign based on ACMG/AMP sequence variant interpretation guidelines (Richards et al. 2015 PMID: 25741868, with internal and published modifications).

Labcorp Genetics (formerly Invitae), Labcorp
Classification: Likely benign for Familial episodic pain syndrome with predominantly lower limb involvement; Hereditary sensory and autonomic neuropathy type 7. Last evaluated: 2024-10-10. Review status: criteria provided, single submitter. Criteria: Invitae Variant Classification Sherloc (09022015). Collection method: clinical testing. Allele origin: germline.